The following is an entry in ClinVar:

NM_000091.5(COL4A3):c.3554del (p.Pro1185fs)

Genes: COL4A3 (collagen type IV alpha 3 chain; plus strand), MFF-DT (MFF divergent transcript; minus strand). Cytogenetic location: 2q36.3.
Variant type: Deletion.
Coding change: c.3554del on transcript NM_000091.5 (MANE Select); coding-DNA position 3554, one base deleted (C; older notation c.3554delC).
Protein change: p.Pro1185fs; shifts the reading frame from proline 1185.
Molecular consequence: frameshift variant.
Genome position (GRCh38, 1-based): chr2:227,295,305, C deleted; the last of 3 consecutive C bases (chr2:227,295,303-227,295,305); deleting any one gives the same sequence. VCF-style (leftmost placement, unchanged base first): chr2-227295302-AC-A. GRCh37 (hg19) VCF-style: chr2-228160018-AC-A.
Other names: short protein forms P1185fs.
Identifiers: ClinVar variation 4072216 (VCV004072216.1).

ClinVar aggregate classification (germline): Likely pathogenic (1 of 4 stars; one submission).

Conditions:
Autosomal dominant Alport syndrome (ATS3A). Also called: Alport syndrome dominant type; Renal failure and sensorineural hearing loss; ALPORT SYNDROME 3A, AUTOSOMAL DOMINANT. Identifiers: Orphanet 63, Orphanet 88918, MedGen C5882663, MONDO:0007086, OMIM 104200.

Submission:

MVZ Medizinische Genetik Mainz
Classification: Likely pathogenic for Autosomal dominant Alport syndrome. Last evaluated: 2025-07-15. Review status: criteria provided, single submitter. Criteria: UK Practice Guidelines For Variant Classification V4 01 2020. Collection method: clinical testing. Allele origin: germline. Inheritance: Autosomal dominant inheritance. Affected: yes. Observed: 1 variant allele.
Comment: ACMG Criteria: PVS1,PM2_SUP